The following is an entry in ClinVar:

NM_152468.5(TMC8):c.1128-3C>G

Gene: TMC8 (transmembrane channel like 8; plus strand). Cytogenetic location: 17q25.3.
Variant type: single nucleotide variant.
Coding change: c.1128-3C>G on transcript NM_152468.5 (MANE Select); 3 bases into the intron before coding-DNA position 1128, C replaced by G.
Molecular consequence: intron variant.
Genome position (GRCh38, 1-based): chr17:78,137,232, C>G. VCF-style: chr17-78137232-C-G. GRCh37 (hg19) VCF-style: chr17-76133313-C-G.
Identifiers: ClinVar variation 848655 (VCV000848655.6), dbSNP rs753333357, ClinGen allele CA627633945.

ClinVar aggregate classification (germline): Uncertain significance (1 of 4 stars; one submission).

Conditions:
Epidermodysplasia verruciformis. Identifiers: Orphanet 302, MedGen C0014522, MONDO:0009176.

Allele frequency attached by ClinVar (database versions not stated): gnomAD exomes below 0.00001; gnomAD 0.00002; TOPMed 0.00002.
gnomAD v4.1: 11 of 1,613,578 alleles (0.00068%); highest among the groups gnomAD compares: African/African-American, 0.0027%; no homozygotes.

Submission:

Labcorp Genetics (formerly Invitae), Labcorp
Classification: Uncertain significance for Epidermodysplasia verruciformis. Last evaluated: 2022-07-19. Review status: criteria provided, single submitter. Criteria: Invitae Variant Classification Sherloc (09022015). Collection method: clinical testing. Allele origin: germline.
Comment: In summary, the available evidence is currently insufficient to determine the role of this variant in disease. Therefore, it has been classified as a Variant of Uncertain Significance. Variants that disrupt the consensus splice site are a relatively common cause of aberrant splicing (PMID: 17576681, 9536098). Algorithms developed to predict the effect of sequence changes on RNA splicing suggest that this variant may disrupt the consensus splice site. ClinVar contains an entry for this variant (Variation ID: 848655). This variant has not been reported in the literature in individuals affected with TMC8-related conditions. This variant is present in population databases (no rsID available, gnomAD 0.0009%). This sequence change falls in intron 9 of the TMC8 gene. It does not directly change the encoded amino acid sequence of the TMC8 protein. It affects a nucleotide within the consensus splice site.

Literature cited by the submitters: PubMed 17576681; PubMed 9536098.